The following is an entry in ClinVar:

ClinVar aggregate classification (germline): Uncertain significance (1 of 4 stars; one submission).

Conditions:
Dilated cardiomyopathy 1AA (CMD1AA). Also called: Cardiomyopathy, dilated, 1AA, with or without LVNC; CARDIOMYOPATHY, DILATED, 1AA, WITH OR WITHOUT LEFT VENTRICULAR NONCOMPACTION; CARDIOMYOPATHY, FAMILIAL HYPERTROPHIC, 23, WITH OR WITHOUT LEFT VENTRICULAR NONCOMPACTION. Identifiers: Orphanet 154, MedGen C2677338, MONDO:0012808, OMIM 612158.
Primary familial hypertrophic cardiomyopathy (HCM). Identifiers: Orphanet 99739, MedGen C0949658, MeSH D024741, MONDO:0024573. Inheritance: Various modes of inheritance.

Submission:

Labcorp Genetics (formerly Invitae), Labcorp
Classification: Uncertain significance for Primary familial hypertrophic cardiomyopathy; Dilated cardiomyopathy 1AA. Last evaluated: 2021-04-01. Review status: criteria provided, single submitter. Criteria: Invitae Variant Classification Sherloc (09022015). Collection method: clinical testing. Allele origin: germline.
Comment: In summary, the available evidence is currently insufficient to determine the role of this variant in disease. Therefore, it has been classified as a Variant of Uncertain Significance. This variant has not been reported in the literature in individuals with ACTN2-related conditions. This variant is not present in population databases (ExAC no frequency). This sequence change creates a premature translational stop signal (p.Lys679Asnfs*5) in the ACTN2 gene. It is expected to result in an absent or disrupted protein product. However, the current clinical and genetic evidence is not sufficient to establish whether loss-of-function variants in ACTN2 cause disease.

NM_001103.4(ACTN2):c.2033_2036dup (p.Lys679fs)

Gene: ACTN2 (actinin alpha 2; plus strand). Cytogenetic location: 1q43.
Variant type: Duplication.
Coding change: c.2033_2036dup on transcript NM_001103.4 (MANE Select); coding-DNA positions 2033 to 2036, 4 bases duplicated (TGAA; older notation c.2033_2036dupTGAA).
Protein change: p.Lys679fs; shifts the reading frame from lysine 679.
Molecular consequence: frameshift variant.
Genome position (GRCh38, 1-based): chr1:236,755,077-236,755,080, TGAA duplicated. VCF-style (leftmost placement, unchanged base first): chr1-236755076-C-CTGAA. GRCh37 (hg19) VCF-style: chr1-236918376-C-CTGAA.
Other names: c.2033_2036dup, p.Lys679fs (NM_001278343.2); c.1409_1412dup, p.Lys471fs (NM_001278344.2); short protein forms K471fs, K679fs.
Identifiers: ClinVar variation 1520510 (VCV001520510.6), dbSNP rs2102943983, ClinGen allele CA2573132077.